The following is an entry in ClinVar:

NC_000014.8:g.(?_76173946)_(78082922_?)dup

Genes: AHSA1 (activator of HSP90 ATPase activity 1; plus strand), ANGEL1 (angel homolog 1; minus strand), CIPC (CLOCK interacting pacemaker; plus strand), ESRRB (estrogen related receptor beta; plus strand), GPATCH2L (G-patch domain containing 2 like; plus strand) and 17 more. Cytogenetic location: 14q24.3.
Variant type: Duplication.
Identifiers: ClinVar variation 3244101 (VCV003244101.1).

ClinVar aggregate classification (germline): Uncertain significance (1 of 4 stars; one submission).

Submission:

Labcorp Genetics (formerly Invitae), Labcorp
Classification: Uncertain significance. Last evaluated: 2023-04-11. Review status: criteria provided, single submitter. Criteria: Invitae Variant Classification Sherloc (09022015). Collection method: clinical testing. Allele origin: unknown.
Comment: In summary, the available evidence is currently insufficient to determine the role of this variant in disease. Therefore, it has been classified as a Variant of Uncertain Significance. This variant has not been reported in the literature in individuals affected with IFT43-related conditions. A copy number gain of the genomic region encompassing the full coding sequence of the IFT43 gene has been identified. The boundaries of this event are unknown as they extend beyond the assayed region for this gene and therefore may encompass additional genes. As the precise location of this event is unknown, it may be in tandem or it may be located elsewhere in the genome.